The following is an entry in ClinVar:

ClinVar aggregate classification (germline): Likely benign (1 of 4 stars; one submission).

Conditions:
KMT2D-related disorder. Also called: KMT2D-Related Disorders.

Submission:

PreventionGenetics, part of Exact Sciences
Classification: Likely benign for KMT2D-related condition. Last evaluated: 2025-07-22. Review status: criteria provided, single submitter. Criteria: ACMG Guidelines, 2015. Collection method: clinical testing. Allele origin: germline.
Comment: This variant is classified as likely benign based on ACMG/AMP sequence variant interpretation guidelines (Richards et al. 2015 PMID: 25741868, with internal and published modifications).

NM_003482.4(KMT2D):c.670C>T (p.Leu224=)

Gene: KMT2D (lysine methyltransferase 2D; minus strand). Cytogenetic location: 12q13.12.
Variant type: single nucleotide variant.
Coding change: c.670C>T on transcript NM_003482.4 (MANE Select); coding-DNA position 670, C replaced by T.
Protein change: p.Leu224=; no amino-acid change (leucine 224 retained).
Molecular consequence: synonymous variant.
Genome position (GRCh38, 1-based): chr12:49,053,981, G>A on the plus strand (C>T on the coding strand, the complement: KMT2D is on the minus strand). VCF-style: chr12-49053981-G-A. GRCh37 (hg19) VCF-style: chr12-49447764-G-A.
Identifiers: ClinVar variation 4983458 (VCV004983458.1).